The following is an entry in ClinVar:

ClinVar aggregate classification (germline): Conflicting classifications of pathogenicity. Review status: criteria provided, conflicting classifications (1 of 4 stars). 8 submissions from 4 submitters: Uncertain significance (5); Likely benign (3). Last evaluated 2025-12-19.

Conditions:
Early-onset myopathy with fatal cardiomyopathy (CMYO5). Also called: Salih Myopathy; CONGENITAL MYOPATHY 5 WITH CARDIOMYOPATHY. Identifiers: Orphanet 289377, MedGen C2673677, MONDO:0012714, OMIM 611705. Disease mechanism: loss of function.
Dilated cardiomyopathy 1G (CMD1G). Identifiers: Orphanet 154, MedGen C1858763, MONDO:0011400, OMIM 604145.
Autosomal recessive limb-girdle muscular dystrophy type 2J (LGMDR10). Also called: Limb-girdle muscular dystrophy, type 2J; MUSCULAR DYSTROPHY, LIMB-GIRDLE, AUTOSOMAL RECESSIVE 10. Identifiers: Orphanet 140922, MedGen C1837342, MONDO:0012127, OMIM 608807.
Myopathy, myofibrillar, 9, with early respiratory failure (MFM9). Also called: EDSTROM MYOPATHY; Hereditary myopathy with early respiratory failure; Myopathy, distal, with early respiratory failure, autosomal dominant; MYOPATHY, PROXIMAL, WITH EARLY RESPIRATORY MUSCLE INVOLVEMENT. Identifiers: Orphanet 178464, Orphanet 34521, MedGen C1863599, MONDO:0011362, OMIM 603689.
Tibial muscular dystrophy (TMD). Also called: Tibial muscular dystrophy, tardive; Udd Distal Myopathy – Tibial Muscular Dystrophy; UDD MYOPATHY. Identifiers: Orphanet 609, MedGen C1838244, MONDO:0010870, OMIM 600334.

Allele frequency attached by ClinVar (database versions not stated): gnomAD exomes 0.00001; ESP Exome Variant Server 0.00008; TOPMed 0.00008; gnomAD 0.00009.
gnomAD v4.1: 32 of 1,610,320 alleles (0.002%); highest among the groups gnomAD compares: African/African-American, 0.027%; no homozygotes.

Submissions (8):

Labcorp Genetics (formerly Invitae), Labcorp
Classification: Likely benign for Dilated cardiomyopathy 1G; Autosomal recessive limb-girdle muscular dystrophy type 2J. Last evaluated: 2025-12-19. Review status: criteria provided, single submitter. Criteria: Invitae Variant Classification Sherloc (09022015). Collection method: clinical testing. Allele origin: germline.

Illumina Laboratory Services, Illumina
Classification: Uncertain significance for Myopathy, myofibrillar, 9, with early respiratory failure. Last evaluated: 2018-01-13. Review status: criteria provided, single submitter. Criteria: ICSL Variant Classification Criteria 13 December 2019. Collection method: clinical testing. Allele origin: germline.

Illumina Laboratory Services, Illumina
Classification: Uncertain significance for Tibial muscular dystrophy. Last evaluated: 2018-01-13. Review status: criteria provided, single submitter. Criteria: ICSL Variant Classification Criteria 13 December 2019. Collection method: clinical testing. Allele origin: germline.

Illumina Laboratory Services, Illumina
Classification: Uncertain significance for Dilated cardiomyopathy 1G. Last evaluated: 2018-01-13. Review status: criteria provided, single submitter. Criteria: ICSL Variant Classification Criteria 13 December 2019. Collection method: clinical testing. Allele origin: germline.

Illumina Laboratory Services, Illumina
Classification: Uncertain significance for Early-onset myopathy with fatal cardiomyopathy. Last evaluated: 2018-01-13. Review status: criteria provided, single submitter. Criteria: ICSL Variant Classification Criteria 13 December 2019. Collection method: clinical testing. Allele origin: germline.

Illumina Laboratory Services, Illumina
Classification: Uncertain significance for Autosomal recessive limb-girdle muscular dystrophy type 2J. Last evaluated: 2018-01-13. Review status: criteria provided, single submitter. Criteria: ICSL Variant Classification Criteria 13 December 2019. Collection method: clinical testing. Allele origin: germline.

Blueprint Genetics
Classification: Likely benign. Last evaluated: 2017-07-18. Review status: criteria provided, single submitter. Criteria: ACMG Guidelines, 2015. Collection method: clinical testing. Allele origin: germline.

GeneDx
Classification: Likely benign. Last evaluated: 2017-01-19. Review status: criteria provided, single submitter. Criteria: GeneDx Variant Classification (06012015). Collection method: clinical testing. Allele origin: germline. Affected: yes.
Comment: This variant is considered likely benign or benign based on one or more of the following criteria: it is a conservative change, it occurs at a poorly conserved position in the protein, it is predicted to be benign by multiple in silico algorithms, and/or has population frequency not consistent with disease.

NM_001267550.2(TTN):c.31208-13G>A

Gene: TTN (titin; minus strand). Cytogenetic location: 2q31.2.
Variant type: single nucleotide variant.
Coding change: c.31208-13G>A on transcript NM_001267550.2 (MANE Select); 13 bases into the intron before coding-DNA position 31208, G replaced by A.
Molecular consequence: intron variant.
Genome position (GRCh38, 1-based): chr2:178,695,423, C>T on the plus strand (G>A on the coding strand, the complement: TTN is on the minus strand). VCF-style: chr2-178695423-C-T. GRCh37 (hg19) VCF-style: chr2-179560150-C-T.
Other names: c.13282+42659G>A (NM_003319.4); c.13858+42659G>A (NM_133437.4); c.13657+42659G>A (NM_133432.3); c.27476-13G>A (NM_133378.4); c.30257-13G>A (NM_001256850.1).
Identifiers: ClinVar variation 506850 (VCV000506850.13), dbSNP rs377135196, ClinGen allele CA60992063.